The following is an entry in ClinVar:

ClinVar aggregate classification (germline): Uncertain significance. Review status: criteria provided, multiple submitters, no conflicts (2 of 4 stars). 2 submissions from 2 submitters: Uncertain significance (2). Last evaluated 2025-12-27.

Conditions:
Hypertrophic cardiomyopathy. Also called: HYPERTROPHIC MYOCARDIOPATHY. Identifiers: Orphanet 217569, MedGen C0007194, MeSH D002312, MONDO:0005045, HP:0001639.
Cardiomyopathy (CMYO). Also called: Cardiomyopathies. Identifiers: Orphanet 167848, MedGen C0878544, MONDO:0004994, HP:0001638. Inheritance: Various modes of inheritance.

Allele frequency attached by ClinVar (database versions not stated): gnomAD exomes below 0.00001.

Submissions (2):

Labcorp Genetics (formerly Invitae), Labcorp
Classification: Uncertain significance for Hypertrophic cardiomyopathy. Last evaluated: 2025-12-27. Review status: criteria provided, single submitter. Criteria: Invitae Variant Classification Sherloc (09022015). Collection method: clinical testing. Allele origin: germline.
Comment: This sequence change replaces glycine, which is neutral and non-polar, with glutamic acid, which is acidic and polar, at codon 784 of the MYBPC3 protein (p.Gly784Glu). This variant is not present in population databases (gnomAD no frequency). This variant has not been reported in the literature in individuals affected with MYBPC3-related conditions. ClinVar contains an entry for this variant (Variation ID: 1331993). An algorithm developed to predict the effect of missense changes on protein structure and function (PolyPhen-2) suggests that this variant is likely to be disruptive. In summary, the available evidence is currently insufficient to determine the role of this variant in disease. Therefore, it has been classified as a Variant of Uncertain Significance.

Color Diagnostics, LLC DBA Color Health
Classification: Uncertain significance for Cardiomyopathy. Last evaluated: 2024-03-07. Review status: criteria provided, single submitter. Criteria: ACMG Guidelines, 2015. Collection method: clinical testing. Allele origin: germline.
Comment: This missense variant replaces glycine with glutamic acid at codon 784 of the MYBPC3 protein. Computational prediction is inconclusive regarding the impact of this variant on protein structure and function (internally defined REVEL score threshold 0.5 < inconclusive < 0.7, PMID: 27666373). To our knowledge, functional studies have not been reported for this variant. This variant has not been reported in individuals affected with cardiovascular disorders in the literature. This variant has not been identified in the general population by the Genome Aggregation Database (gnomAD). The available evidence is insufficient to determine the role of this variant in disease conclusively. Therefore, this variant is classified as a Variant of Uncertain Significance.

NM_000256.3(MYBPC3):c.2351G>A (p.Gly784Glu)

Gene: MYBPC3 (myosin binding protein C3; minus strand). Cytogenetic location: 11p11.2.
Variant type: single nucleotide variant.
Coding change: c.2351G>A on transcript NM_000256.3 (MANE Select); coding-DNA position 2351, G replaced by A.
Protein change: p.Gly784Glu; replaces glycine 784 with glutamic acid.
Molecular consequence: missense variant.
Genome position (GRCh38, 1-based): chr11:47,337,752, C>T on the plus strand (G>A on the coding strand, the complement: MYBPC3 is on the minus strand). VCF-style: chr11-47337752-C-T. GRCh37 (hg19) VCF-style: chr11-47359303-C-T.
Other names: short protein forms G784E.
Identifiers: ClinVar variation 1331993 (VCV001331993.4), dbSNP rs931275955, ClinGen allele CA221688960.